The following is an entry in ClinVar:

ClinVar aggregate classification (germline): Uncertain significance (1 of 4 stars; one submission).

Conditions:
Inborn genetic diseases. Identifiers: MedGen C0950123, MeSH D030342.

gnomAD v4.1: 2 of 1,614,162 alleles (0.00012%); highest among the groups gnomAD compares: Non-Finnish European, 0.00017%; no homozygotes.

Submission:

Ambry Genetics
Classification: Uncertain significance for Inborn genetic diseases. Last evaluated: 2025-04-17. Review status: criteria provided, single submitter. Criteria: Ambry Variant Classification Scheme 2023. Collection method: clinical testing. Allele origin: germline.
Comment: The p.I290L variant (also known as c.868A>C), located in coding exon 3 of the MBD4 gene, results from an A to C substitution at nucleotide position 868. The isoleucine at codon 290 is replaced by leucine, an amino acid with highly similar properties. This amino acid position is conserved. In addition, this alteration is predicted to be tolerated by in silico analysis. Based on the available evidence, the clinical significance of this variant remains unclear.

NM_001276270.2(MBD4):c.868A>C (p.Ile290Leu)

Gene: MBD4 (methyl-CpG binding domain 4, DNA glycosylase; minus strand). Cytogenetic location: 3q21.3.
Variant type: single nucleotide variant.
Coding change: c.868A>C on transcript NM_001276270.2 (MANE Select); coding-DNA position 868, A replaced by C.
Protein change: p.Ile290Leu; replaces isoleucine 290 with leucine.
Molecular consequence: missense variant. On other transcripts: intron variant (1).
Genome position (GRCh38, 1-based): chr3:129,436,776, T>G on the plus strand (A>C on the coding strand, the complement: MBD4 is on the minus strand). VCF-style: chr3-129436776-T-G. GRCh37 (hg19) VCF-style: chr3-129155619-T-G.
Other names: c.868A>C, p.Ile290Leu (NM_001276271.2, NM_001276272.2, NM_003925.3); c.247+1032A>C (NM_001276273.2); short protein forms I290L.
Identifiers: ClinVar variation 4052209 (VCV004052209.1).
Genomic context (GRCh38, chr3:129,436,776, plus strand): 5'-CAAGGCTGTTTTCTTCACTGGTCACACTGAGGGTCTCACCACATGCTCCAGCATCAGAAA[T>G]GCAGACAGTTCTATCAAGCTGACTTTTTTGTGCAACAGGTTCACTTTCAGCATCTGCTTT-3'
Protein context (NP_001263199.1, residues 280-300): QKSQLDRTVC[Ile290Leu]SDAGACGETL